The following is an entry in ClinVar:

NM_000222.3(KIT):c.2696+6A>G

Gene: KIT (KIT proto-oncogene, receptor tyrosine kinase; plus strand). Cytogenetic location: 4q12.
Variant type: single nucleotide variant.
Coding change: c.2696+6A>G on transcript NM_000222.3 (MANE Select); 6 bases into the intron after coding-DNA position 2696, A replaced by G.
Molecular consequence: intron variant.
Genome position (GRCh38, 1-based): chr4:54,736,826, A>G. VCF-style: chr4-54736826-A-G. GRCh37 (hg19) VCF-style: chr4-55602992-A-G.
Other names: c.2699+6A>G (NM_001385284.1); c.2696+6A>G (NM_001385290.1); c.2687+6A>G (NM_001385288.1); c.2684+6A>G (NM_001385292.1, NM_001093772.2); c.2693+6A>G (NM_001385285.1); c.2681+6A>G (NM_001385286.1).
Identifiers: ClinVar variation 2085058 (VCV002085058.4), dbSNP rs2109812781, ClinGen allele CA2580071143.

ClinVar aggregate classification (germline): Uncertain significance (1 of 4 stars; one submission).

Conditions:
Gastrointestinal stromal tumor. Also called: Gastrointestinal stroma tumor; Gastrointestinal stromal tumor, somatic. Identifiers: Orphanet 44890, MedGen C0238198, MeSH D046152, MONDO:0011719, OMIM 606764, HP:0100723.

Submission:

Labcorp Genetics (formerly Invitae), Labcorp
Classification: Uncertain significance for Gastrointestinal stromal tumor. Last evaluated: 2022-02-24. Review status: criteria provided, single submitter. Criteria: Invitae Variant Classification Sherloc (09022015). Collection method: clinical testing. Allele origin: germline.
Comment: In summary, the available evidence is currently insufficient to determine the role of this variant in disease. Therefore, it has been classified as a Variant of Uncertain Significance. Variants that disrupt the consensus splice site are a relatively common cause of aberrant splicing (PMID: 17576681, 9536098). Algorithms developed to predict the effect of sequence changes on RNA splicing suggest that this variant is not likely to affect RNA splicing. This variant has not been reported in the literature in individuals affected with KIT-related conditions. This variant is not present in population databases (gnomAD no frequency). This sequence change falls in intron 19 of the KIT gene. It does not directly change the encoded amino acid sequence of the KIT protein. It affects a nucleotide within the consensus splice site.

Literature cited by the submitters: PubMed 17576681; PubMed 9536098.